The following is an entry in ClinVar:

NM_000059.4(BRCA2):c.4777G>A (p.Glu1593Lys)

Gene: BRCA2 (BRCA2 DNA repair associated; plus strand). Cytogenetic location: 13q13.1.
Variant type: single nucleotide variant.
Coding change: c.4777G>A on transcript NM_000059.4 (MANE Select); coding-DNA position 4777, G replaced by A.
Protein change: p.Glu1593Lys; replaces glutamic acid 1593 with lysine.
Molecular consequence: missense variant. On other transcripts: non-coding transcript variant (1), intron variant (2).
Genome position (GRCh38, 1-based): chr13:32,339,132, G>A. VCF-style: chr13-32339132-G-A. GRCh37 (hg19) VCF-style: chr13-32913269-G-A.
Other names: c.4777G>A, p.Glu1593Lys (NM_001406719.1, NM_001406720.1, NM_001432077.1); c.1910-5426G>A (NM_001406721.1); c.425-5426G>A (NM_001406722.1); short protein forms E1593K.
Identifiers: ClinVar variation 3680362 (VCV003680362.3).

ClinVar aggregate classification (germline): Uncertain significance. Review status: criteria provided, multiple submitters, no conflicts (2 of 4 stars). 2 submissions from 2 submitters: Uncertain significance (2). Last evaluated 2026-05-14.

Conditions:
Hereditary cancer-predisposing syndrome. Also called: Hereditary neoplastic syndrome; Tumor predisposition; Hereditary Cancer Syndrome; Neoplastic Syndromes, Hereditary. Identifiers: Orphanet 140162, MedGen C0027672, MeSH D009386, MONDO:0015356.
Hereditary breast ovarian cancer syndrome. Also called: Hereditary breast and ovarian cancer; Breast and ovarian cancer; Hereditary breast and/or ovarian cancer syndrome; BRCA1- and BRCA2-Associated Hereditary Breast and Ovarian Cancer; Hereditary breast and ovarian cancer syndrome; Hereditary breast and ovarian cancer syndrome (HBOC). Identifiers: Orphanet 145, MedGen C0677776, MeSH D061325, MONDO:0003582. Disease mechanism: loss of function.

gnomAD v4.1: 3 of 1,613,986 alleles (0.00019%); highest among the groups gnomAD compares: South Asian, 0.0033%; no homozygotes.

Submissions (2):

Ambry Genetics
Classification: Uncertain significance for Hereditary cancer-predisposing syndrome. Last evaluated: 2026-05-14. Review status: criteria provided, single submitter. Criteria: Ambry Variant Classification Scheme 2023. Collection method: clinical testing. Allele origin: germline.
Comment: The p.E1593K variant (also known as c.4777G>A), located in coding exon 10 of the BRCA2 gene, results from a G to A substitution at nucleotide position 4777. The glutamic acid at codon 1593 is replaced by lysine, an amino acid with similar properties. This amino acid position is conserved. In addition, this alteration is predicted to be tolerated by in silico analysis. Based on the available evidence, the clinical significance of this variant remains unclear.

Labcorp Genetics (formerly Invitae), Labcorp
Classification: Uncertain significance for Hereditary breast ovarian cancer syndrome. Last evaluated: 2024-08-07. Review status: criteria provided, single submitter. Criteria: Invitae Variant Classification Sherloc (09022015). Collection method: clinical testing. Allele origin: germline.
Comment: This sequence change replaces glutamic acid, which is acidic and polar, with lysine, which is basic and polar, at codon 1593 of the BRCA2 protein (p.Glu1593Lys). This variant is not present in population databases (gnomAD no frequency). This variant has not been reported in the literature in individuals affected with BRCA2-related conditions. Advanced modeling of protein sequence and biophysical properties (such as structural, functional, and spatial information, amino acid conservation, physicochemical variation, residue mobility, and thermodynamic stability) performed at Invitae indicates that this missense variant is not expected to disrupt BRCA2 protein function with a negative predictive value of 95%. In summary, the available evidence is currently insufficient to determine the role of this variant in disease. Therefore, it has been classified as a Variant of Uncertain Significance.